The following is an entry in ClinVar:

ClinVar aggregate classification (germline): Uncertain significance (1 of 4 stars; one submission).

Submission:

Labcorp Genetics (formerly Invitae), Labcorp
Classification: Uncertain significance. Last evaluated: 2021-04-08. Review status: criteria provided, single submitter. Criteria: Invitae Variant Classification Sherloc (09022015). Collection method: clinical testing. Allele origin: germline.
Comment: This sequence change falls in intron 2 of the TPP1 gene. It does not directly change the encoded amino acid sequence of the TPP1 protein. This variant is not present in population databases (ExAC no frequency). In summary, the available evidence is currently insufficient to determine the role of this variant in disease. Therefore, it has been classified as a Variant of Uncertain Significance. Algorithms developed to predict the effect of sequence changes on RNA splicing suggest that this variant may disrupt the consensus splice site, but this prediction has not been confirmed by published transcriptional studies. This variant has not been reported in the literature in individuals with TPP1-related conditions.

NM_000391.4(TPP1):c.90-7C>G

Gene: TPP1 (tripeptidyl peptidase 1; minus strand). Cytogenetic location: 11p15.4.
Variant type: single nucleotide variant.
Coding change: c.90-7C>G on transcript NM_000391.4 (MANE Select); 7 bases into the intron before coding-DNA position 90, C replaced by G.
Molecular consequence: intron variant.
Genome position (GRCh38, 1-based): chr11:6,618,922, G>C on the plus strand (C>G on the coding strand, the complement: TPP1 is on the minus strand). VCF-style: chr11-6618922-G-C. GRCh37 (hg19) VCF-style: chr11-6640153-G-C.
Identifiers: ClinVar variation 1430960 (VCV001430960.8), dbSNP rs2134598256, ClinGen allele CA2573147197.
Genomic context (GRCh38, chr11:6,618,922, plus strand): 5'-CTCAGCTCTTCCTCAGGGTCCGCACGGCCCAGGGACACCCAGCCTGGGGGCAGCCTGTAG[G>C]GTCAGGGGTCAGGGACATGGCTTTGGTTAGGGTGGAGATGGAAAATATTGGTCATGGAAG-3'